The following is an entry in ClinVar:

NM_016938.5(EFEMP2):c.60G>T (p.Leu20Phe)

Gene: EFEMP2 (EGF containing fibulin extracellular matrix protein 2; minus strand). Cytogenetic location: 11q13.1.
Variant type: single nucleotide variant.
Coding change: c.60G>T on transcript NM_016938.5 (MANE Select); coding-DNA position 60, G replaced by T.
Protein change: p.Leu20Phe; replaces leucine 20 with phenylalanine.
Molecular consequence: missense variant. On other transcripts: non-coding transcript variant (1).
Genome position (GRCh38, 1-based): chr11:65,872,295, C>A on the plus strand (G>T on the coding strand, the complement: EFEMP2 is on the minus strand). VCF-style: chr11-65872295-C-A. GRCh37 (hg19) VCF-style: chr11-65639766-C-A.
Other names: short protein forms L20F.
Identifiers: ClinVar variation 3506971 (VCV003506971.1).

ClinVar aggregate classification (germline): Uncertain significance (1 of 4 stars; one submission).

Conditions:
Cardiovascular phenotype. Identifiers: MedGen CN230736.

Submission:

Ambry Genetics
Classification: Uncertain significance for Cardiovascular phenotype. Last evaluated: 2024-09-24. Review status: criteria provided, single submitter. Criteria: Ambry Variant Classification Scheme 2023. Collection method: clinical testing. Allele origin: germline.
Comment: The p.L20F variant (also known as c.60G>T), located in coding exon 1 of the EFEMP2 gene, results from a G to T substitution at nucleotide position 60. The leucine at codon 20 is replaced by phenylalanine, an amino acid with highly similar properties. This amino acid position is conserved. In addition, this alteration is predicted to be tolerated by in silico analysis. Based on the available evidence, the clinical significance of this variant remains unclear.